The following is an entry in ClinVar:

NM_001128636.4(ELFN1):c.2026G>A (p.Ala676Thr)

Gene: ELFN1 (extracellular leucine rich repeat and fibronectin type III domain containing 1; plus strand). Cytogenetic location: 7p22.3.
Variant type: single nucleotide variant.
Coding change: c.2026G>A on transcript NM_001128636.4 (MANE Select); coding-DNA position 2026, G replaced by A.
Protein change: p.Ala676Thr; replaces alanine 676 with threonine.
Molecular consequence: missense variant.
Genome position (GRCh38, 1-based): chr7:1,746,622, G>A. VCF-style: chr7-1746622-G-A. GRCh37 (hg19) VCF-style: chr7-1786258-G-A.
Other names: c.2026G>A, p.Ala676Thr (NM_001394187.1, NM_001394188.1); short protein forms A676T.
Identifiers: ClinVar variation 5018398 (VCV005018398.1).

ClinVar aggregate classification (germline): Uncertain significance (1 of 4 stars; one submission).

gnomAD v4.1: 30 of 1,349,728 alleles (0.0022%); highest among the groups gnomAD compares: Non-Finnish European, 0.0026%; no homozygotes.

Submission:

GeneDx
Classification: Uncertain significance. Last evaluated: 2026-04-12. Review status: criteria provided, single submitter. Criteria: GeneDx Variant Classification Process June 2021. Collection method: clinical testing. Allele origin: germline.
Comment: In silico analysis suggests that this missense variant does not alter protein structure/function; Has not been previously published as pathogenic or benign to our knowledge